The following is an entry in ClinVar:

ClinVar aggregate classification (germline): Uncertain significance (1 of 4 stars; one submission).

Conditions:
Brugada syndrome 8 (BRGDA8). Identifiers: Orphanet 130, MedGen C2751083, MONDO:0013148, OMIM 613123.

Submission:

Labcorp Genetics (formerly Invitae), Labcorp
Classification: Uncertain significance for Brugada syndrome 8. Last evaluated: 2024-10-16. Review status: criteria provided, single submitter. Criteria: Invitae Variant Classification Sherloc (09022015). Collection method: clinical testing. Allele origin: germline.
Comment: This sequence change replaces alanine, which is neutral and non-polar, with valine, which is neutral and non-polar, at codon 133 of the HCN4 protein (p.Ala133Val). This variant is not present in population databases (gnomAD no frequency). This variant has not been reported in the literature in individuals affected with HCN4-related conditions. Invitae Evidence Modeling of protein sequence and biophysical properties (such as structural, functional, and spatial information, amino acid conservation, physicochemical variation, residue mobility, and thermodynamic stability) indicates that this missense variant is not expected to disrupt HCN4 protein function with a negative predictive value of 95%. In summary, the available evidence is currently insufficient to determine the role of this variant in disease. Therefore, it has been classified as a Variant of Uncertain Significance.

NM_005477.3(HCN4):c.398C>T (p.Ala133Val)

Gene: HCN4 (hyperpolarization activated cyclic nucleotide gated potassium channel 4; minus strand). Cytogenetic location: 15q24.1.
Variant type: single nucleotide variant.
Coding change: c.398C>T on transcript NM_005477.3 (MANE Select); coding-DNA position 398, C replaced by T.
Protein change: p.Ala133Val; replaces alanine 133 with valine.
Molecular consequence: missense variant.
Genome position (GRCh38, 1-based): chr15:73,367,873, G>A on the plus strand (C>T on the coding strand, the complement: HCN4 is on the minus strand). VCF-style: chr15-73367873-G-A. GRCh37 (hg19) VCF-style: chr15-73660214-G-A.
Other names: short protein forms A133V.
Identifiers: ClinVar variation 3636619 (VCV003636619.2).